The following is an entry in ClinVar:

NM_000018.4(ACADVL):c.1835C>T (p.Ala612Val)

Gene: ACADVL (acyl-CoA dehydrogenase very long chain; plus strand). Cytogenetic location: 17p13.1.
Variant type: single nucleotide variant.
Coding change: c.1835C>T on transcript NM_000018.4 (MANE Select); coding-DNA position 1835, C replaced by T.
Protein change: p.Ala612Val; replaces alanine 612 with valine.
Molecular consequence: missense variant.
Genome position (GRCh38, 1-based): chr17:7,224,964, C>T. VCF-style: chr17-7224964-C-T. GRCh37 (hg19) VCF-style: chr17-7128283-C-T.
Other names: c.1769C>T, p.Ala590Val (NM_001033859.3); c.1904C>T, p.Ala635Val (NM_001270447.2); c.1607C>T, p.Ala536Val (NM_001270448.2); short protein forms A536V, A635V, A590V, A612V.
Identifiers: ClinVar variation 2195972 (VCV002195972.2), dbSNP rs374898424, ClinGen allele CA397726003.

ClinVar aggregate classification (germline): Uncertain significance (1 of 4 stars; one submission).

Conditions:
Very long chain acyl-CoA dehydrogenase deficiency (ACADVLD). Also called: Very Long-Chain Acyl-Coenzyme A Dehydrogenase Deficiency; VLCAD Deficiency. Identifiers: Orphanet 26793, MedGen C3887523, MONDO:0008723, OMIM 201475.

gnomAD v4.1: 2 of 1,613,970 alleles (0.00012%); highest among the groups gnomAD compares: African/African-American, 0.0027%; no homozygotes.

Submission:

Labcorp Genetics (formerly Invitae), Labcorp
Classification: Uncertain significance for Very long chain acyl-CoA dehydrogenase deficiency. Last evaluated: 2024-10-07. Review status: criteria provided, single submitter. Criteria: Invitae Variant Classification Sherloc (09022015). Collection method: clinical testing. Allele origin: germline.
Comment: This sequence change replaces alanine, which is neutral and non-polar, with valine, which is neutral and non-polar, at codon 612 of the ACADVL protein (p.Ala612Val). This variant is present in population databases (no rsID available, gnomAD 0.01%). This variant has not been reported in the literature in individuals affected with ACADVL-related conditions. ClinVar contains an entry for this variant (Variation ID: 2195972). Invitae Evidence Modeling of protein sequence and biophysical properties (such as structural, functional, and spatial information, amino acid conservation, physicochemical variation, residue mobility, and thermodynamic stability) indicates that this missense variant is not expected to disrupt ACADVL protein function with a negative predictive value of 80%. In summary, the available evidence is currently insufficient to determine the role of this variant in disease. Therefore, it has been classified as a Variant of Uncertain Significance.